The following is an entry in ClinVar:

NM_000051.4(ATM):c.7966_7970del (p.Leu2656fs)

Genes: ATM (ATM serine/threonine kinase; plus strand), C11orf65 (chromosome 11 open reading frame 65; minus strand). Cytogenetic location: 11q22.3.
Variant type: Deletion.
Coding change: c.7966_7970del on transcript NM_000051.4 (MANE Select); coding-DNA positions 7966 to 7970, 5 bases deleted (CTTAA; older notation c.7966_7970delCTTAA).
Protein change: p.Leu2656fs; shifts the reading frame from leucine 2656.
Molecular consequence: frameshift variant. On other transcripts: intron variant (2).
Genome position (GRCh38, 1-based): chr11:108,333,924-108,333,928, CTTAA deleted; deleting any 5 consecutive bases within chr11:108,333,922-108,333,928 gives the same sequence; the c. name uses the placement nearest the transcript's 3' end. VCF-style (leftmost placement, unchanged base first): chr11-108333921-AAACTT-A. GRCh37 (hg19) VCF-style: chr11-108204648-AAACTT-A.
Other names: c.7966_7970del, p.Leu2656fs (NM_001351834.2); c.641-24855_641-24851del (NM_001330368.2); c.*38+1294_*38+1298del (NM_001351110.2); short protein forms L2656fs.
Identifiers: ClinVar variation 1996557 (VCV001996557.5), dbSNP rs2547314205, ClinGen allele CA2580082993.
Genomic context (GRCh38, chr11:108,333,921, plus strand): 5'-AAAATCTCTTCATTTTTAAATACAGAAGGCATAAATATTCCAGCAGACCAGCCAATTACT[AAACTT>A]AAGAATTTAGAAGATGTTGTTGTCCCTACTATGGAAATTAAGGTAATTTGCAATTAACTC-3'

ClinVar aggregate classification (germline): Pathogenic. Review status: criteria provided, multiple submitters, no conflicts (2 of 4 stars). 2 submissions from 2 submitters: Pathogenic (2). Last evaluated 2023-06-21.

Conditions:
Hereditary cancer-predisposing syndrome. Also called: Tumor predisposition; Hereditary Cancer Syndrome; Hereditary neoplastic syndrome; Neoplastic Syndromes, Hereditary. Identifiers: Orphanet 140162, MedGen C0027672, MeSH D009386, MONDO:0015356.
Ataxia-telangiectasia syndrome (AT). Also called: Ataxia-telangiectasia, complementation group D; AT, COMPLEMENTATION GROUP C; ATAXIA-TELANGIECTASIA, COMPLEMENTATION GROUP A; ATAXIA-TELANGIECTASIA, FRESNO VARIANT; Ataxia-telangiectasia, complementation group E; LOUIS-BAR SYNDROME. Identifiers: Orphanet 100, MedGen C0004135, MONDO:0008840, OMIM 208900.

Submissions (2):

Ambry Genetics
Classification: Pathogenic for Hereditary cancer-predisposing syndrome. Last evaluated: 2023-06-21. Review status: criteria provided, single submitter. Criteria: Ambry Variant Classification Scheme 2023. Collection method: clinical testing. Allele origin: germline.
Comment: The c.7966_7970delCTTAA pathogenic mutation, located in coding exon 53 of the ATM gene, results from a deletion of 5 nucleotides at nucleotide positions 7966 to 7970, causing a translational frameshift with a predicted alternate stop codon (p.L2656Efs*13). This variant is considered to be rare based on population cohorts in the Genome Aggregation Database (gnomAD). This alteration is expected to result in loss of function by premature protein truncation or nonsense-mediated mRNA decay. As such, this alteration is interpreted as a disease-causing mutation.

Labcorp Genetics (formerly Invitae), Labcorp
Classification: Pathogenic for Ataxia-telangiectasia syndrome. Last evaluated: 2023-06-04. Review status: criteria provided, single submitter. Criteria: Invitae Variant Classification Sherloc (09022015). Collection method: clinical testing. Allele origin: germline.
Comment: This sequence change creates a premature translational stop signal (p.Leu2656Glufs*13) in the ATM gene. It is expected to result in an absent or disrupted protein product. Loss-of-function variants in ATM are known to be pathogenic (PMID: 23807571, 25614872). This premature translational stop signal has been observed in individual(s) with clinical features of ataxia-telangiectasia (Invitae). ClinVar contains an entry for this variant (Variation ID: 1996557). For these reasons, this variant has been classified as Pathogenic. This variant is not present in population databases (gnomAD no frequency).

Literature cited by the submitters: PubMed 23807571 (cited by Labcorp Genetics (formerly Invitae), Labcorp); PubMed 25614872 (cited by Labcorp Genetics (formerly Invitae), Labcorp).